The following is an entry in ClinVar:

ClinVar aggregate classification (germline): Uncertain significance (1 of 4 stars; one submission).

Allele frequency attached by ClinVar (database versions not stated): ExAC 0.00001; gnomAD 0.00001; ESP Exome Variant Server 0.00008.
gnomAD v4.1: 5 of 1,571,186 alleles (0.00032%); highest among the groups gnomAD compares: Non-Finnish European, 0.00043%; no homozygotes.

Submission:

Labcorp Genetics (formerly Invitae), Labcorp
Classification: Uncertain significance. Last evaluated: 2022-07-18. Review status: criteria provided, single submitter. Criteria: Invitae Variant Classification Sherloc (09022015). Collection method: clinical testing. Allele origin: germline.
Comment: This variant is present in population databases (rs373819202, gnomAD 0.001%). In summary, the available evidence is currently insufficient to determine the role of this variant in disease. Therefore, it has been classified as a Variant of Uncertain Significance. Variants that disrupt the consensus splice site are a relatively common cause of aberrant splicing (PMID: 17576681, 9536098). Algorithms developed to predict the effect of sequence changes on RNA splicing suggest that this variant is not likely to affect RNA splicing. This variant has not been reported in the literature in individuals affected with FBXO11-related conditions. This sequence change falls in intron 16 of the FBXO11 gene. It does not directly change the encoded amino acid sequence of the FBXO11 protein. It affects a nucleotide within the consensus splice site.

Literature cited by the submitters: PubMed 17576681; PubMed 9536098.

NM_001190274.2(FBXO11):c.2006+6T>C

Gene: FBXO11 (F-box protein 11; minus strand). Cytogenetic location: 2p16.3.
Variant type: single nucleotide variant.
Coding change: c.2006+6T>C on transcript NM_001190274.2 (MANE Select); 6 bases into the intron after coding-DNA position 2006, T replaced by C.
Molecular consequence: intron variant.
Genome position (GRCh38, 1-based): chr2:47,818,773, A>G on the plus strand (T>C on the coding strand, the complement: FBXO11 is on the minus strand). VCF-style: chr2-47818773-A-G. GRCh37 (hg19) VCF-style: chr2-48045912-A-G.
Other names: c.1754+6T>C (NM_001374325.1, NM_025133.4).
Identifiers: ClinVar variation 1974291 (VCV001974291.5), dbSNP rs373819202, ClinGen allele CA1649690.